The following is an entry in ClinVar:

ClinVar aggregate classification (germline): Likely benign. Review status: criteria provided, multiple submitters, no conflicts (2 of 4 stars). 3 submissions from 3 submitters: Likely benign (2). 1 of the submissions does not count toward it. Last evaluated 2026-01-06.

Conditions:
ATP2A1-related disorder. Also called: ATP2A1-related condition.
Brody myopathy. Also called: BRODY DISEASE. Identifiers: Orphanet 53347, MedGen C1832918, MONDO:0010977, OMIM 601003.

Allele frequency attached by ClinVar (database versions not stated): ExAC 0.00026; TOPMed 0.00030; 1000 Genomes Project 30x 0.00031; gnomAD exomes 0.00031 and 0.00063; gnomAD 0.00033; 1000 Genomes Project 0.00040; ESP Exome Variant Server 0.00046.
gnomAD v4.1: 968 of 1,614,190 alleles (0.06%); highest among the groups gnomAD compares: Non-Finnish European, 0.077%; 2 homozygotes.

Submissions (3):

Labcorp Genetics (formerly Invitae), Labcorp
Classification: Likely benign for Brody myopathy. Last evaluated: 2026-01-06. Review status: criteria provided, single submitter. Criteria: Invitae Variant Classification Sherloc (09022015). Collection method: clinical testing. Allele origin: germline.

Blueprint Genetics
Classification: Likely benign. Last evaluated: 2024-11-18. Review status: criteria provided, single submitter. Criteria: ACMG Guidelines, 2015. Collection method: clinical testing. Allele origin: germline.

PreventionGenetics, part of Exact Sciences
Classification: Likely benign for ATP2A1-related condition. Last evaluated: 2020-03-16. Review status: no assertion criteria provided. Collection method: clinical testing. Allele origin: germline. Not counted in ClinVar's aggregate classification.
Comment: This variant is classified as likely benign based on ACMG/AMP sequence variant interpretation guidelines (Richards et al. 2015 PMID: 25741868, with internal and published modifications).

NM_004320.6(ATP2A1):c.2046G>A (p.Ser682=)

Gene: ATP2A1 (ATPase sarcoplasmic/endoplasmic reticulum Ca2+ transporting 1; plus strand). Cytogenetic location: 16p11.2.
Variant type: single nucleotide variant.
Coding change: c.2046G>A on transcript NM_004320.6 (MANE Select); coding-DNA position 2046, G replaced by A.
Protein change: p.Ser682=; no amino-acid change (serine 682 retained).
Molecular consequence: synonymous variant.
Genome position (GRCh38, 1-based): chr16:28,900,862, G>A. VCF-style: chr16-28900862-G-A. GRCh37 (hg19) VCF-style: chr16-28912183-G-A.
Other names: c.1671G>A, p.Ser557= (NM_001286075.2); c.2046G>A, p.Ser682= (NM_173201.5).
Identifiers: ClinVar variation 532734 (VCV000532734.15), dbSNP rs150380125, ClinGen allele CA7987156.